The following is an entry in ClinVar:

ClinVar aggregate classification (germline): Uncertain significance (1 of 4 stars; one submission).

Allele frequency attached by ClinVar (database versions not stated): TOPMed 0.00001.
gnomAD v4.1: 2 of 1,613,154 alleles (0.00012%); highest among the groups gnomAD compares: African/African-American, 0.0027%; no homozygotes.

Submission:

Labcorp Genetics (formerly Invitae), Labcorp
Classification: Uncertain significance. Last evaluated: 2023-12-11. Review status: criteria provided, single submitter. Criteria: Invitae Variant Classification Sherloc (09022015). Collection method: clinical testing. Allele origin: germline.
Comment: This sequence change replaces glycine, which is neutral and non-polar, with alanine, which is neutral and non-polar, at codon 3887 of the ADGRV1 protein (p.Gly3887Ala). This variant is present in population databases (no rsID available, gnomAD 0.01%). This variant has not been reported in the literature in individuals affected with ADGRV1-related conditions. ClinVar contains an entry for this variant (Variation ID: 970853). An algorithm developed to predict the effect of missense changes on protein structure and function (PolyPhen-2) suggests that this variant is likely to be tolerated. In summary, the available evidence is currently insufficient to determine the role of this variant in disease. Therefore, it has been classified as a Variant of Uncertain Significance.

NM_032119.4(ADGRV1):c.11660G>C (p.Gly3887Ala)

Gene: ADGRV1 (adhesion G protein-coupled receptor V1; plus strand). Cytogenetic location: 5q14.3.
Variant type: single nucleotide variant.
Coding change: c.11660G>C on transcript NM_032119.4 (MANE Select); coding-DNA position 11660, G replaced by C.
Protein change: p.Gly3887Ala; replaces glycine 3887 with alanine.
Molecular consequence: missense variant. On other transcripts: non-coding transcript variant (1).
Genome position (GRCh38, 1-based): chr5:90,756,533, G>C. VCF-style: chr5-90756533-G-C. GRCh37 (hg19) VCF-style: chr5-90052350-G-C.
Other names: short protein forms G3887A.
Identifiers: ClinVar variation 970853 (VCV000970853.8), dbSNP rs561320748, ClinGen allele CA360369333.
Genomic context (GRCh38, chr5:90,756,533, plus strand): 5'-AGGAAGGATTTATTGTCACTATCACTGAGGTGAACCTGGTGAACTCTGACTTCTCTACAG[G>C]ACAGCCAAGTGTGCGGAGGCCCGGAATGGAAATAGCTGAGATAATGATAGAAGAAAATGA-3'
Protein context (NP_115495.3, residues 3877-3897): VNLVNSDFST[Gly3887Ala]QPSVRRPGME